The following is an entry in ClinVar:

NM_139276.2(STAT3):c.1111_1112del

Gene: STAT3 (signal transducer and activator of transcription 3; minus strand). Cytogenetic location: 17q21.2.
Variant type: Microsatellite.
Coding change: c.1111_1112del on transcript NM_139276.2; coding-DNA positions 1111 to 1112, 2 bases deleted (GA; older notation c.1111_1112delGA).
Molecular consequence: frameshift variant (on NM_001384986.1).
Genome position (GRCh38, 1-based): chr17:42,329,774-42,329,775, TC deleted on the plus strand (GA on the coding strand, the reverse complement: STAT3 is on the minus strand); deleting any 2 consecutive bases within chr17:42,329,774-42,329,778 gives the same sequence; the c. name uses the placement nearest the transcript's 3' end. VCF-style (leftmost placement, unchanged base first): chr17-42329773-GTC-G. GRCh37 (hg19) VCF-style: chr17-40481791-GTC-G.
Other names: c.1126_1127del, p.Asp376fs (NM_001384986.1, NM_001384990.1); short protein forms D376fs.
Identifiers: ClinVar variation 962418 (VCV000962418.3), dbSNP rs2081913335, ClinGen allele CA2260433803.

ClinVar aggregate classification (germline): Uncertain significance (1 of 4 stars; one submission).

Conditions:
Hyper-IgE recurrent infection syndrome 1, autosomal dominant. Also called: Hyper-IgE recurrent infection syndrome 1; Job's Syndrome; JOB SYNDROME; STAT3 Hyper IgE Syndrome; HYPER-IgE SYNDROME 1, AUTOSOMAL DOMINANT, WITH RECURRENT INFECTIONS. Identifiers: Orphanet 2314, MedGen C2936739, MONDO:0007818, OMIM 147060.
STAT3 gain of function. Identifiers: MedGen C4288261.

Submission:

Labcorp Genetics (formerly Invitae), Labcorp
Classification: Uncertain significance for STAT3 gain of function; Hyper-IgE recurrent infection syndrome 1, autosomal dominant. Last evaluated: 2019-09-12. Review status: criteria provided, single submitter. Criteria: Invitae Variant Classification Sherloc (09022015). Collection method: clinical testing. Allele origin: germline.
Comment: This sequence change creates a premature translational stop signal (p.Asp371Leufs*14) in the STAT3 gene. It is expected to result in an absent or disrupted protein product. This variant is not present in population databases (ExAC no frequency). This variant has not been reported in the literature in individuals with STAT3-related conditions. The current clinical and genetic evidence is not sufficient to establish whether loss-of-function variants in STAT3 cause disease. In summary, the available evidence is currently insufficient to determine the role of this variant in disease. Therefore, it has been classified as a Variant of Uncertain Significance.